The following is an entry in ClinVar:

ClinVar aggregate classification (germline): Uncertain significance. Review status: criteria provided, multiple submitters, no conflicts (2 of 4 stars). 2 submissions from 2 submitters: Uncertain significance (2). Last evaluated 2025-05-09.

Conditions:
Tuberous sclerosis 2 (TSC2). Identifiers: Orphanet 805, MedGen C1860707, MONDO:0013199, OMIM 613254.

Allele frequency attached by ClinVar (database versions not stated): gnomAD exomes below 0.00001.

Submissions (2):

Labcorp Genetics (formerly Invitae), Labcorp
Classification: Uncertain significance for Tuberous sclerosis 2. Last evaluated: 2025-05-09. Review status: criteria provided, single submitter. Criteria: Invitae Variant Classification Sherloc (09022015). Collection method: clinical testing. Allele origin: germline.
Comment: This sequence change replaces asparagine, which is neutral and polar, with serine, which is neutral and polar, at codon 55 of the TSC2 protein (p.Asn55Ser). This variant is not present in population databases (gnomAD no frequency). This variant has not been reported in the literature in individuals affected with TSC2-related conditions. ClinVar contains an entry for this variant (Variation ID: 535994). Invitae Evidence Modeling of protein sequence and biophysical properties (such as structural, functional, and spatial information, amino acid conservation, physicochemical variation, residue mobility, and thermodynamic stability) indicates that this missense variant is not expected to disrupt TSC2 protein function with a negative predictive value of 95%. In summary, the available evidence is currently insufficient to determine the role of this variant in disease. Therefore, it has been classified as a Variant of Uncertain Significance.

GeneDx
Classification: Uncertain significance. Last evaluated: 2023-12-07. Review status: criteria provided, single submitter. Criteria: GeneDx Variant Classification Process June 2021. Collection method: clinical testing. Allele origin: germline. Affected: yes.
Comment: Not observed at significant frequency in large population cohorts (gnomAD); In silico analysis supports that this missense variant does not alter protein structure/function; Has not been previously published as pathogenic or benign to our knowledge; This variant is associated with the following publications: (PMID: 18466115)

NM_000548.5(TSC2):c.164A>G (p.Asn55Ser)

Gene: TSC2 (TSC complex subunit 2; plus strand). Cytogenetic location: 16p13.3.
Variant type: single nucleotide variant.
Coding change: c.164A>G on transcript NM_000548.5 (MANE Select); coding-DNA position 164, A replaced by G.
Protein change: p.Asn55Ser; replaces asparagine 55 with serine.
Molecular consequence: missense variant. On other transcripts: 5 prime UTR variant (1).
Genome position (GRCh38, 1-based): chr16:2,050,425, A>G. VCF-style: chr16-2050425-A-G. GRCh37 (hg19) VCF-style: chr16-2100426-A-G.
Other names: c.164A>G, p.Asn55Ser (NM_001077183.3, NM_001114382.3, NM_001318827.2 and 4 more transcripts); c.17A>G, p.Asn6Ser (NM_001318829.2); c.-63A>G (NM_001318831.2); c.197A>G, p.Asn66Ser (NM_001318832.2); short protein forms N55S, N6S, N66S.
Identifiers: ClinVar variation 535994 (VCV000535994.9), dbSNP rs1555495709, ClinGen allele CA394303217.